The following is an entry in ClinVar:

ClinVar aggregate classification (germline): Pathogenic. Review status: criteria provided, multiple submitters, no conflicts (2 of 4 stars). 2 submissions from 2 submitters: Pathogenic (2). Last evaluated 2026-01-25.

Conditions:
Type 2 diabetes mellitus. Also called: Type II diabetes mellitus. Identifiers: MedGen C0011860, MeSH D003924, MONDO:0005148, OMIM 125853, HP:0005978.
Fanconi-Bickel syndrome (FBS). Also called: Glycogen storage disease due to GLUT2 deficiency; FANCONI SYNDROME WITH INTESTINAL MALABSORPTION AND GALACTOSE INTOLERANCE; HEPATIC GLYCOGENOSIS WITH AMINO ACIDURIA AND GLUCOSURIA; HEPATIC GLYCOGENOSIS WITH FANCONI NEPHROPATHY; HEPATORENAL GLYCOGENOSIS WITH RENAL FANCONI SYNDROME; PSEUDO-PHLORIZIN DIABETES. Identifiers: Orphanet 2088, MedGen C3495427, MONDO:0009216, OMIM 227810.

Allele frequency attached by ClinVar (database versions not stated): gnomAD 0.00001; gnomAD exomes 0.00001; TOPMed 0.00001; ExAC 0.00002; ESP Exome Variant Server 0.00008.
gnomAD v4.1: 14 of 1,612,004 alleles (0.00087%); highest among the groups gnomAD compares: Middle Eastern, 0.016%; no homozygotes.

Submissions (2):

Labcorp Genetics (formerly Invitae), Labcorp
Classification: Pathogenic for Fanconi-Bickel syndrome. Last evaluated: 2026-01-25. Review status: criteria provided, single submitter. Criteria: Invitae Variant Classification Sherloc (09022015). Collection method: clinical testing. Allele origin: germline.
Comment: This sequence change affects a donor splice site in intron 7 of the SLC2A2 gene. It is expected to disrupt RNA splicing. Variants that disrupt the donor or acceptor splice site typically lead to a loss of protein function (PMID: 16199547), and loss-of-function variants in SLC2A2 are known to be pathogenic (PMID: 11810292). This variant is present in population databases (rs371977235, gnomAD 0.002%). Disruption of this splice site has been observed in individuals with Fanconi-Bickel syndrome (PMID: 11810292). ClinVar contains an entry for this variant (Variation ID: 444008). Algorithms developed to predict the effect of sequence changes on RNA splicing suggest that this variant may disrupt the consensus splice site. For these reasons, this variant has been classified as Pathogenic.

Shenzhen Institute of Pediatrics, Shenzhen Children's Hospital
Classification: Pathogenic for Type 2 diabetes mellitus. Last evaluated: 2017-09-08. Review status: criteria provided, single submitter. Criteria: ACMG Guidelines, 2015. Collection method: clinical testing. Allele origin: unknown. Inheritance: Autosomal dominant inheritance. Affected: yes. Observed: 1 variant allele, 1 compound heterozygote.
Comment: The genotype:[c.1331G>A(p. Trp444*)]+[c.963+1G>A]

Literature cited by the submitters: PubMed 16199547 (cited by Labcorp Genetics (formerly Invitae), Labcorp); PubMed 11810292 (cited by Labcorp Genetics (formerly Invitae), Labcorp).

NM_000340.2(SLC2A2):c.963+1G>A

Gene: SLC2A2 (solute carrier family 2 member 2; minus strand). Cytogenetic location: 3q26.2.
Variant type: single nucleotide variant.
Coding change: c.963+1G>A on transcript NM_000340.2 (MANE Select); the canonical splice donor site of the intron after coding-DNA position 963, G replaced by A.
Molecular consequence: splice donor variant.
Genome position (GRCh38, 1-based): chr3:171,005,284, C>T on the plus strand (G>A on the coding strand, the complement: SLC2A2 is on the minus strand). VCF-style: chr3-171005284-C-T. GRCh37 (hg19) VCF-style: chr3-170723073-C-T.
Other names: c.606+1G>A (NM_001278658.2); c.444+1G>A (NM_001278659.2).
Identifiers: ClinVar variation 444008 (VCV000444008.11), dbSNP rs371977235, ClinGen allele CA2702544.
Genomic context (GRCh38, chr3:171,005,284, plus strand): 5'-CTTGCCTTCCCTATTTTAATTCACTGTGCTCTTAAGAGTTAGTGGGTGTTCTTAAACTTA[C>T]GCCATTGATTCCGGAAAATTGCTGAGCCACATGCAGCATCAGTGCCACTAGAATAGGCTG-3'